The following is an entry in ClinVar:

NM_001042492.3(NF1):c.1909A>G (p.Ser637Gly)

Gene: NF1 (neurofibromin 1; plus strand). Cytogenetic location: 17q11.2.
Variant type: single nucleotide variant.
Coding change: c.1909A>G on transcript NM_001042492.3 (MANE Select); coding-DNA position 1909, A replaced by G.
Protein change: p.Ser637Gly; replaces serine 637 with glycine.
Molecular consequence: missense variant.
Genome position (GRCh38, 1-based): chr17:31,225,158, A>G. VCF-style: chr17-31225158-A-G. GRCh37 (hg19) VCF-style: chr17-29552176-A-G.
Other names: c.1909A>G, p.Ser637Gly (NM_000267.4); short protein forms S637G.
Identifiers: ClinVar variation 3634504 (VCV003634504.2).

ClinVar aggregate classification (germline): Uncertain significance (1 of 4 stars; one submission).

Conditions:
Neurofibromatosis, type 1 (NF1). Also called: VON RECKLINGHAUSEN DISEASE; Peripheral type neurofibromatosis; NEUROFIBROMATOSIS, TYPE I, SOMATIC; Neurofibromatosis, type I. Identifiers: Orphanet 636, MedGen C0027831, MONDO:0018975, OMIM 162200. Disease mechanism: loss of function.

Submission:

Labcorp Genetics (formerly Invitae), Labcorp
Classification: Uncertain significance for Neurofibromatosis, type 1. Last evaluated: 2024-09-21. Review status: criteria provided, single submitter. Criteria: Invitae Variant Classification Sherloc (09022015). Collection method: clinical testing. Allele origin: germline.
Comment: This sequence change replaces serine, which is neutral and polar, with glycine, which is neutral and non-polar, at codon 637 of the NF1 protein (p.Ser637Gly). This variant is not present in population databases (gnomAD no frequency). This variant has not been reported in the literature in individuals affected with NF1-related conditions. Invitae Evidence Modeling of protein sequence and biophysical properties (such as structural, functional, and spatial information, amino acid conservation, physicochemical variation, residue mobility, and thermodynamic stability) indicates that this missense variant is not expected to disrupt NF1 protein function with a negative predictive value of 95%. In summary, the available evidence is currently insufficient to determine the role of this variant in disease. Therefore, it has been classified as a Variant of Uncertain Significance.